The following is an entry in ClinVar:

ClinVar aggregate classification (germline): Uncertain significance (1 of 4 stars; one submission).

Conditions:
Inborn genetic diseases. Identifiers: MedGen C0950123, MeSH D030342.

Submission:

Ambry Genetics
Classification: Uncertain significance for Inborn genetic diseases. Last evaluated: 2025-08-20. Review status: criteria provided, single submitter. Criteria: Ambry Variant Classification Scheme 2023. Collection method: clinical testing. Allele origin: germline.
Comment: The p.N1436T variant (also known as c.4307A>C), located in coding exon 15 of the FANCM gene, results from an A to C substitution at nucleotide position 4307. The asparagine at codon 1436 is replaced by threonine, an amino acid with similar properties. This amino acid position is conserved. In addition, this alteration is predicted to be tolerated by in silico analysis. Based on the available evidence, the clinical significance of this variant remains unclear.

NM_020937.4(FANCM):c.4307A>C (p.Asn1436Thr)

Gene: FANCM (FA complementation group M; plus strand). Cytogenetic location: 14q21.2.
Variant type: single nucleotide variant.
Coding change: c.4307A>C on transcript NM_020937.4 (MANE Select); coding-DNA position 4307, A replaced by C.
Protein change: p.Asn1436Thr; replaces asparagine 1436 with threonine.
Molecular consequence: missense variant.
Genome position (GRCh38, 1-based): chr14:45,181,514, A>C. VCF-style: chr14-45181514-A-C. GRCh37 (hg19) VCF-style: chr14-45650717-A-C.
Other names: c.4229A>C, p.Asn1410Thr (NM_001308133.2); short protein forms N1436T, N1410T.
Identifiers: ClinVar variation 4254691 (VCV004254691.1).